The following is an entry in ClinVar:

NM_004385.5(VCAN):c.2159TCT[1] (p.Phe721del)

Gene: VCAN (versican; plus strand). Cytogenetic location: 5q14.3.
Variant type: Microsatellite.
Coding change: c.2159TCT[1] on transcript NM_004385.5 (MANE Select); one copy of the 3-base unit TCT starting at c.2159; the reference has two copies in a row; one copy, 3 bases deleted.
Protein change: p.Phe721del; deletes phenylalanine 721.
Molecular consequence: inframe deletion. On other transcripts: intron variant (2).
Genome position (GRCh38, 1-based): chr5:83,520,468-83,520,470, TCT deleted; deleting any 3 consecutive bases within chr5:83,520,465-83,520,470 gives the same sequence; the position shown is the placement nearest the transcript's 3' end. VCF-style (leftmost placement, unchanged base first): chr5-83520464-GTCT-G. GRCh37 (hg19) VCF-style: chr5-82816283-GTCT-G.
Other names: c.2159TCT[1], p.Phe721del (NM_001164098.2); c.1042+8072_1042+8074del (NM_001164097.2, NM_001126336.3); short protein forms F721del.
Identifiers: ClinVar variation 2711385 (VCV002711385.3), dbSNP rs2479051150, ClinGen allele CA2697546311.

ClinVar aggregate classification (germline): Uncertain significance (1 of 4 stars; one submission).

Submission:

Labcorp Genetics (formerly Invitae), Labcorp
Classification: Uncertain significance. Last evaluated: 2024-01-25. Review status: criteria provided, single submitter. Criteria: Invitae Variant Classification Sherloc (09022015). Collection method: clinical testing. Allele origin: germline.
Comment: This variant, c.2162_2164del, results in the deletion of 1 amino acid(s) of the VCAN protein (p.Phe721del), but otherwise preserves the integrity of the reading frame. This variant is not present in population databases (gnomAD no frequency). This variant has not been reported in the literature in individuals affected with VCAN-related conditions. Experimental studies and prediction algorithms are not available or were not evaluated, and the functional significance of this variant is currently unknown. In summary, the available evidence is currently insufficient to determine the role of this variant in disease. Therefore, it has been classified as a Variant of Uncertain Significance.